The following is an entry in ClinVar:

NM_001148.6(ANK2):c.7820A>G (p.Gln2607Arg)

Genes: ANK2 (ankyrin 2; plus strand), LOC126807137 (CDK7 strongly-dependent group 2 enhancer GRCh37_chr4:114276560-114277759; plus strand). Cytogenetic location: 4q26.
Variant type: single nucleotide variant.
Coding change: c.7820A>G on transcript NM_001148.6 (MANE Select); coding-DNA position 7820, A replaced by G.
Protein change: p.Gln2607Arg; replaces glutamine 2607 with arginine.
Molecular consequence: missense variant. On other transcripts: intron variant (68).
Genome position (GRCh38, 1-based): chr4:113,356,438, A>G. VCF-style: chr4-113356438-A-G. GRCh37 (hg19) VCF-style: chr4-114277594-A-G.
Other names: c.7586A>G, p.Gln2529Arg (NM_001386142.1); c.4220A>G, p.Gln1407Arg (NM_001386166.1); c.7961A>G, p.Gln2654Arg (NM_001386174.1); c.7937A>G, p.Gln2646Arg (NM_001386175.1); c.4412-4385A>G (NM_001386186.2, NM_001386148.2); c.4214-4385A>G (NM_001354269.3); c.4292-4385A>G (NM_001386187.2); c.4253-4385A>G (NM_001386147.1); and 35 more; short protein forms Q1407R, Q2529R, Q2607R, Q2646R, Q2654R.
Identifiers: ClinVar variation 3221004 (VCV003221004.2), dbSNP rs2154025546, ClinGen allele CA357932218.

ClinVar aggregate classification (germline): Uncertain significance. Review status: criteria provided, multiple submitters, no conflicts (2 of 4 stars). 2 submissions from 2 submitters: Uncertain significance (2). Last evaluated 2024-10-11.

Conditions:
Cardiovascular phenotype. Identifiers: MedGen CN230736.

Allele frequency attached by ClinVar (database versions not stated): gnomAD 0.00001; gnomAD exomes 0.00001.
gnomAD v4.1: 4 of 1,614,186 alleles (0.00025%); highest among the groups gnomAD compares: Non-Finnish European, 0.00034%; no homozygotes.

Submissions (2):

GeneDx
Classification: Uncertain significance. Last evaluated: 2024-10-11. Review status: criteria provided, single submitter. Criteria: GeneDx Variant Classification Process June 2021. Collection method: clinical testing. Allele origin: germline. Affected: yes.
Comment: Not observed at significant frequency in large population cohorts (gnomAD); In silico analysis indicates that this missense variant does not alter protein structure/function; Has not been previously published as pathogenic or benign to our knowledge

Ambry Genetics
Classification: Uncertain significance for Cardiovascular phenotype. Last evaluated: 2023-11-21. Review status: criteria provided, single submitter. Criteria: Ambry Variant Classification Scheme 2023. Collection method: clinical testing. Allele origin: germline.
Comment: The p.Q2607R variant (also known as c.7820A>G), located in coding exon 38 of the ANK2 gene, results from an A to G substitution at nucleotide position 7820. The glutamine at codon 2607 is replaced by arginine, an amino acid with highly similar properties. This amino acid position is conserved. In addition, the in silico prediction for this alteration is inconclusive. Since supporting evidence is limited at this time, the clinical significance of this alteration remains unclear.